The following is an entry in ClinVar:

ClinVar aggregate classification (germline): Benign (1 of 4 stars; one submission).

Conditions:
MELAS syndrome (MELAS). Also called: Juvenile myopathy, encephalopathy, lactic acidosis, stroke. Identifiers: Orphanet 550, MedGen C0162671, MONDO:0010789, OMIM 540000.

Submission:

Wong Mito Lab, Molecular and Human Genetics, Baylor College of Medicine
Classification: Benign for MELAS syndrome. Last evaluated: 2019-07-12. Review status: criteria provided, single submitter. Criteria: Modified ACMG Guidelines (Unpublished). Collection method: clinical testing. Allele origin: germline.
Comment: The NC_012920.1:m.12188T>C variant in MT-TH gene is interpreted to be a Benign variant based on the modified ACMG guidelines (unpublished). This variant meets the following evidence codes reported in the guidelines: BS1, BS2, BP4

Literature cited by the submitters: PubMed 31965079.

NC_012920.1(MT-TH):m.12188T>C

Gene: MT-TH (mitochondrially encoded tRNA histidine; plus strand).
Variant type: single nucleotide variant.
Genome position: chrM-12188-T-C.
Identifiers: ClinVar variation 690150 (VCV000690150.1), dbSNP rs879128211, ClinGen allele CA337099410.
Genomic context (GRCh38, chrMT:12,188, plus strand): 5'-TTTTCCTCTTGTAAATATAGTTTAACCAAAACATCAGATTGTGAATCTGACAACAGAGGC[T>C]TACGACCCCTTATTTACCGAGAAAGCTCACAAGAACTGCTAACTCATGCCCCCATGTCTA-3'